The following is an entry in ClinVar:

NM_006180.6(NTRK2):c.1278C>T (p.Thr426=)

Gene: NTRK2 (neurotrophic receptor tyrosine kinase 2; plus strand). Cytogenetic location: 9q21.33.
Variant type: single nucleotide variant.
Coding change: c.1278C>T on transcript NM_006180.6 (MANE Select); coding-DNA position 1278, C replaced by T.
Protein change: p.Thr426=; no amino-acid change (threonine 426 retained).
Molecular consequence: synonymous variant.
Genome position (GRCh38, 1-based): chr9:84,745,055, C>T. VCF-style: chr9-84745055-C-T. GRCh37 (hg19) VCF-style: chr9-87359970-C-T.
Other names: c.1278C>T, p.Thr426= (NM_001007097.3, NM_001018064.3, NM_001018065.2 and 15 more transcripts); c.1239C>T, p.Thr413= (NM_001291937.2, NM_001369546.1); c.1242C>T, p.Thr414= (NM_001369534.1); c.810C>T, p.Thr270= (NM_001369535.1, NM_001369536.1, NM_001369550.1 and 2 more transcripts); c.1278C>T (NM_006180.4).
Identifiers: ClinVar variation 1616599 (VCV001616599.11), dbSNP rs1217234880, ClinGen allele CA465894558.

ClinVar aggregate classification (germline): Conflicting classifications of pathogenicity. Review status: criteria provided, conflicting classifications (1 of 4 stars). 4 submissions from 4 submitters: Uncertain significance (1); Likely benign (2). 1 of the submissions does not count toward it. Last evaluated 2025-03-31.

Conditions:
NTRK2-related disorder. Also called: NTRK2-related condition.

Allele frequency attached by ClinVar (database versions not stated): gnomAD 0.00001; gnomAD exomes 0.00001; TOPMed 0.00002.
gnomAD v4.1: 20 of 1,613,120 alleles (0.0012%); highest among the groups gnomAD compares: South Asian, 0.0055%; no homozygotes.

Submissions (4):

Labcorp Genetics (formerly Invitae), Labcorp
Classification: Likely benign. Last evaluated: 2025-03-31. Review status: criteria provided, single submitter. Criteria: Invitae Variant Classification Sherloc (09022015). Collection method: clinical testing. Allele origin: germline.

Revvity Omics, Revvity
Classification: Uncertain significance. Last evaluated: 2025-01-21. Review status: criteria provided, single submitter. Criteria: ACMG Guidelines, 2015. Collection method: clinical testing. Allele origin: germline.

Blueprint Genetics
Classification: Likely benign. Last evaluated: 2024-09-12. Review status: criteria provided, single submitter. Criteria: ACMG Guidelines, 2015. Collection method: clinical testing. Allele origin: germline.

PreventionGenetics, part of Exact Sciences
Classification: Likely benign for NTRK2-related condition. Last evaluated: 2021-06-08. Review status: no assertion criteria provided. Collection method: clinical testing. Allele origin: germline. Not counted in ClinVar's aggregate classification.
Comment: This variant is classified as likely benign based on ACMG/AMP sequence variant interpretation guidelines (Richards et al. 2015 PMID: 25741868, with internal and published modifications).